The following is an entry in ClinVar:

ClinVar aggregate classification (germline): Uncertain significance. Review status: criteria provided, multiple submitters, no conflicts (2 of 4 stars). 2 submissions from 2 submitters: Uncertain significance (2). Last evaluated 2025-10-10.

Conditions:
Fanconi anemia (FA). Also called: Fanconi's anemia. Identifiers: Orphanet 84, MedGen C0015625, MeSH D005199, MONDO:0019391.
Inborn genetic diseases. Identifiers: MedGen C0950123, MeSH D030342.

Allele frequency attached by ClinVar (database versions not stated): TOPMed 0.00001; gnomAD exomes below 0.00001; gnomAD 0.00002.
gnomAD v4.1: 10 of 1,613,916 alleles (0.00062%); highest among the groups gnomAD compares: East Asian, 0.0089%; no homozygotes.

Submissions (2):

Labcorp Genetics (formerly Invitae), Labcorp
Classification: Uncertain significance for Fanconi anemia. Last evaluated: 2025-10-10. Review status: criteria provided, single submitter. Criteria: Invitae Variant Classification Sherloc (09022015). Collection method: clinical testing. Allele origin: germline.
Comment: This sequence change replaces arginine, which is basic and polar, with glutamine, which is neutral and polar, at codon 1392 of the FANCD2 protein (p.Arg1392Gln). This variant is present in population databases (no rsID available, gnomAD 0.006%). This variant has not been reported in the literature in individuals affected with FANCD2-related conditions. ClinVar contains an entry for this variant (Variation ID: 1053893). Invitae Evidence Modeling of protein sequence and biophysical properties (such as structural, functional, and spatial information, amino acid conservation, physicochemical variation, residue mobility, and thermodynamic stability) indicates that this missense variant is expected to disrupt FANCD2 protein function with a positive predictive value of 80%. In summary, the available evidence is currently insufficient to determine the role of this variant in disease. Therefore, it has been classified as a Variant of Uncertain Significance.

Ambry Genetics
Classification: Uncertain significance for Inborn genetic diseases. Last evaluated: 2024-05-13. Review status: criteria provided, single submitter. Criteria: Ambry Variant Classification Scheme 2023. Collection method: clinical testing. Allele origin: germline.

NM_001018115.3(FANCD2):c.4175G>A (p.Arg1392Gln)

Genes: FANCD2 (FA complementation group D2; plus strand), FANCD2OS (FANCD2 opposite strand; minus strand). Cytogenetic location: 3p25.3.
Variant type: single nucleotide variant.
Coding change: c.4175G>A on transcript NM_001018115.3 (MANE Select); coding-DNA position 4175, G replaced by A.
Protein change: p.Arg1392Gln; replaces arginine 1392 with glutamine.
Molecular consequence: missense variant. On other transcripts: intron variant (1).
Genome position (GRCh38, 1-based): chr3:10,096,462, G>A. VCF-style: chr3-10096462-G-A. GRCh37 (hg19) VCF-style: chr3-10138146-G-A.
Other names: c.4175G>A, p.Arg1392Gln (NM_001319984.2, NM_033084.6); c.4064G>A, p.Arg1355Gln (NM_001374253.1); c.4136G>A, p.Arg1379Gln (NM_001374254.1); c.*43+7736C>T (NM_173472.2); short protein forms R1355Q, R1379Q, R1392Q.
Identifiers: ClinVar variation 1053893 (VCV001053893.8), dbSNP rs1334082637, ClinGen allele CA351758045.
Genomic context (GRCh38, chr3:10,096,462, plus strand): 5'-AAGCTATGCTCACTCTCAACAATTGTAGAGAGGCTTTCTGGCTGGGCAATCTAAAAAACC[G>A]GGACTTGCAGGTAAGCCTTGGATCCTGCTAGTGATAATCCCCTACTCTTATTCTTTGTGA-3'
Protein context (NP_001018125.1, residues 1382-1402): EAFWLGNLKN[Arg1392Gln]DLQGEEIKSQ